The following is an entry in ClinVar:

NM_004369.4(COL6A3):c.3101T>C (p.Leu1034Pro)

Gene: COL6A3 (collagen type VI alpha 3 chain; minus strand). Cytogenetic location: 2q37.3.
Variant type: single nucleotide variant.
Coding change: c.3101T>C on transcript NM_004369.4 (MANE Select); coding-DNA position 3101, T replaced by C.
Protein change: p.Leu1034Pro; replaces leucine 1034 with proline.
Molecular consequence: missense variant.
Genome position (GRCh38, 1-based): chr2:237,374,990, A>G on the plus strand (T>C on the coding strand, the complement: COL6A3 is on the minus strand). VCF-style: chr2-237374990-A-G. GRCh37 (hg19) VCF-style: chr2-238283633-A-G.
Other names: c.1880T>C, p.Leu627Pro (NM_057164.5); c.2483T>C, p.Leu828Pro (NM_057165.5, NM_057167.4); c.1280T>C, p.Leu427Pro (NM_057166.5); short protein forms L1034P, L427P, L627P, L828P.
Identifiers: ClinVar variation 1307993 (VCV001307993.2), dbSNP rs2106361745, ClinGen allele CA351205878.

ClinVar aggregate classification (germline): Uncertain significance (1 of 4 stars; one submission).

Allele frequency attached by ClinVar (database versions not stated): gnomAD exomes below 0.00001.
gnomAD v4.1: 2 of 1,613,988 alleles (0.00012%); highest among the groups gnomAD compares: Non-Finnish European, 0.00017%; no homozygotes.

Submission:

GeneDx
Classification: Uncertain significance. Last evaluated: 2020-11-24. Review status: criteria provided, single submitter. Criteria: GeneDx Variant Classification Process June 2021. Collection method: clinical testing. Allele origin: germline. Affected: yes.
Comment: Not observed in large population cohorts (Lek et al., 2016); In silico analysis, which includes protein predictors and evolutionary conservation, supports a deleterious effect; Has not been previously published as pathogenic or benign to our knowledge